The following is an entry in ClinVar:

ClinVar aggregate classification (germline): Likely benign. Review status: criteria provided, multiple submitters, no conflicts (2 of 4 stars). 2 submissions from 2 submitters: Likely benign (2). Last evaluated 2025-04-09.

Conditions:
Catecholaminergic polymorphic ventricular tachycardia (CVPT). Also called: Catecholamine-induced polymorphic ventricular tachycardia. Identifiers: Orphanet 3286, MedGen C5574922, MONDO:0017990.
Catecholaminergic polymorphic ventricular tachycardia 1. Also called: VENTRICULAR TACHYCARDIA, CATECHOLAMINERGIC POLYMORPHIC, 1, WITH OR WITHOUT ATRIAL DYSFUNCTION AND/OR DILATED CARDIOMYOPATHY; VENTRICULAR TACHYCARDIA, STRESS-INDUCED POLYMORPHIC 1; RYR2-Related Catecholaminergic Polymorphic Ventricular Tachycardia. Identifiers: Orphanet 3286, MedGen C1631597, MONDO:0011484, OMIM 604772.

Allele frequency attached by ClinVar (database versions not stated): gnomAD exomes below 0.00001.
gnomAD v4.1: 2 of 1,613,982 alleles (0.00012%); highest among the groups gnomAD compares: Non-Finnish European, 0.000085%; no homozygotes.

Submissions (2):

Labcorp Genetics (formerly Invitae), Labcorp
Classification: Likely benign for Catecholaminergic polymorphic ventricular tachycardia 1. Last evaluated: 2025-04-09. Review status: criteria provided, single submitter. Criteria: Invitae Variant Classification Sherloc (09022015). Collection method: clinical testing. Allele origin: germline.

All of Us Research Program, National Institutes of Health
Classification: Likely benign for Catecholaminergic polymorphic ventricular tachycardia. Last evaluated: 2023-05-16. Review status: criteria provided, single submitter. Criteria: ACMG Guidelines, 2015. Collection method: clinical testing. Allele origin: germline. Inheritance: Autosomal dominant inheritance. Observed: 1 variant allele, 1 heterozygote.
Comment: This study involves interpretation of variants in research participants for the purpose of population health screening. Participant phenotype was not available at the time of variant classification. Additional details can be found in publication PMID: 35346344, PMCID: PMC8962531

NM_001035.3(RYR2):c.3039G>A (p.Arg1013=)

Gene: RYR2 (ryanodine receptor 2; plus strand). Cytogenetic location: 1q43.
Variant type: single nucleotide variant.
Coding change: c.3039G>A on transcript NM_001035.3 (MANE Select); coding-DNA position 3039, G replaced by A.
Protein change: p.Arg1013=; no amino-acid change (arginine 1013 retained).
Molecular consequence: synonymous variant.
Genome position (GRCh38, 1-based): chr1:237,548,563, G>A. VCF-style: chr1-237548563-G-A. GRCh37 (hg19) VCF-style: chr1-237711863-G-A.
Identifiers: ClinVar variation 806397 (VCV000806397.20), dbSNP rs1481647853, ClinGen allele CA423818113.
Genomic context (GRCh38, chr1:237,548,563, plus strand): 5'-AGCAATGGTGGACAAGTTGGCAGAAAATGCACATAATGTGTGGGCGCGGGATCGAATCCG[G>A]CAGGGCTGGACTTATGGCATCCAACAGGTACATGGGAATTAGCATTTGGTCTGAGACTTA-3'
Protein context (NP_001026.2, residues 1003-1023): AHNVWARDRI[Arg1013=]QGWTYGIQQD